The following is an entry in ClinVar:

NM_032806.6(POMGNT2):c.620A>G (p.Lys207Arg)

Gene: POMGNT2 (protein O-linked mannose N-acetylglucosaminyltransferase 2 (beta 1,4-); minus strand). Cytogenetic location: 3p22.1.
Variant type: single nucleotide variant.
Coding change: c.620A>G on transcript NM_032806.6 (MANE Select); coding-DNA position 620, A replaced by G.
Protein change: p.Lys207Arg; replaces lysine 207 with arginine.
Molecular consequence: missense variant.
Genome position (GRCh38, 1-based): chr3:43,080,812, T>C on the plus strand (A>G on the coding strand, the complement: POMGNT2 is on the minus strand). VCF-style: chr3-43080812-T-C. GRCh37 (hg19) VCF-style: chr3-43122304-T-C.
Other names: short protein forms K207R.
Identifiers: ClinVar variation 934956 (VCV000934956.4), dbSNP rs753930877, ClinGen allele CA2340026.

ClinVar aggregate classification (germline): Uncertain significance (1 of 4 stars; one submission).

Conditions:
Muscular dystrophy-dystroglycanopathy (congenital with brain and eye anomalies), type a, 8 (MDDGA8). Also called: WALKER-WARBURG SYNDROME OR MUSCLE-EYE-BRAIN DISEASE, GTDC2-RELATED. Identifiers: Orphanet 899, MedGen C3553813, MONDO:0013904, OMIM 614830.

Allele frequency attached by ClinVar (database versions not stated): gnomAD 0.00001 and 0.00003; TOPMed 0.00003; gnomAD exomes 0.00010 and 0.00017; ExAC 0.00017.
gnomAD v4.1: 148 of 1,613,836 alleles (0.0092%); highest among the groups gnomAD compares: South Asian, 0.13%; 1 homozygote.

Submission:

Labcorp Genetics (formerly Invitae), Labcorp
Classification: Uncertain significance for Muscular dystrophy-dystroglycanopathy (congenital with brain and eye anomalies), type a, 8. Last evaluated: 2023-12-06. Review status: criteria provided, single submitter. Criteria: Invitae Variant Classification Sherloc (09022015). Collection method: clinical testing. Allele origin: germline.
Comment: This sequence change replaces lysine, which is basic and polar, with arginine, which is basic and polar, at codon 207 of the POMGNT2 protein (p.Lys207Arg). This variant is present in population databases (rs753930877, gnomAD 0.1%). This variant has not been reported in the literature in individuals affected with POMGNT2-related conditions. ClinVar contains an entry for this variant (Variation ID: 934956). Advanced modeling of protein sequence and biophysical properties (such as structural, functional, and spatial information, amino acid conservation, physicochemical variation, residue mobility, and thermodynamic stability) performed at Invitae indicates that this missense variant is not expected to disrupt POMGNT2 protein function with a negative predictive value of 80%. In summary, the available evidence is currently insufficient to determine the role of this variant in disease. Therefore, it has been classified as a Variant of Uncertain Significance.